The following is an entry in ClinVar:

NM_000256.3(MYBPC3):c.2936T>C (p.Leu979Pro)

Gene: MYBPC3 (myosin binding protein C3; minus strand). Cytogenetic location: 11p11.2.
Variant type: single nucleotide variant.
Coding change: c.2936T>C on transcript NM_000256.3 (MANE Select); coding-DNA position 2936, T replaced by C.
Protein change: p.Leu979Pro; replaces leucine 979 with proline.
Molecular consequence: missense variant.
Genome position (GRCh38, 1-based): chr11:47,333,980, A>G on the plus strand (T>C on the coding strand, the complement: MYBPC3 is on the minus strand). VCF-style: chr11-47333980-A-G. GRCh37 (hg19) VCF-style: chr11-47355531-A-G.
Other names: short protein forms L979P.
Identifiers: ClinVar variation 3075442 (VCV003075442.1), dbSNP rs2495742794, ClinGen allele CA380315957.

ClinVar aggregate classification (germline): Uncertain significance (1 of 4 stars; one submission).

Conditions:
Hypertrophic cardiomyopathy. Also called: HYPERTROPHIC MYOCARDIOPATHY. Identifiers: Orphanet 217569, MedGen C0007194, MeSH D002312, MONDO:0005045, HP:0001639.

Submission:

All of Us Research Program, National Institutes of Health
Classification: Uncertain significance for Hypertrophic cardiomyopathy. Last evaluated: 2024-02-05. Review status: criteria provided, single submitter. Criteria: ACMG Guidelines, 2015. Collection method: clinical testing. Allele origin: germline. Inheritance: Autosomal dominant inheritance. Observed: 1 variant allele, 1 heterozygote.
Comment: This missense variant replaces leucine with proline at codon 979 of the MYBPC3 protein. Computational prediction suggests that this variant may have deleterious impact on protein structure and function (internally defined REVEL score threshold >= 0.7, PMID: 27666373). To our knowledge, functional studies have not been reported for this variant. This variant has not been reported in individuals affected with MYBPC3-related disorders in the literature. This variant has not been identified in the general population by the Genome Aggregation Database (gnomAD). The available evidence is insufficient to determine the role of this variant in disease conclusively. Therefore, this variant is classified as a Variant of Uncertain Significance.

This study involves interpretation of variants in research participants for the purpose of population health screening. Participant phenotype was not available at the time of variant classification. Additional details can be found in publication PMID: 35346344, PMCID: PMC8962531